The following is an entry in ClinVar:

NM_003001.5(SDHC):c.405+1del

Gene: SDHC (succinate dehydrogenase complex subunit C; plus strand). Cytogenetic location: 1q23.3.
Variant type: Deletion.
Coding change: c.405+1del on transcript NM_003001.5 (MANE Select); the canonical splice donor site of the intron after coding-DNA position 405, one base deleted (G; older notation c.405+1delG).
Molecular consequence: splice donor variant. On other transcripts: intron variant (3).
Genome position (GRCh38, 1-based): chr1:161,356,841, G deleted; the last of 2 consecutive G bases (chr1:161,356,840-161,356,841); deleting either gives the same sequence. VCF-style (leftmost placement, unchanged base first): chr1-161356839-TG-T. GRCh37 (hg19) VCF-style: chr1-161326629-TG-T.
Other names: c.405+1delG (NM_003001.3); c.294+1del (NM_001407119.1, NM_001407120.1); c.525+1del (NM_001407115.1); c.242-5488del (NM_001035511.3); c.303+1del (NM_001035512.3); c.140-5488del (NM_001278172.3); c.297+1del (NM_001407118.1); c.348+1del (NM_001407116.1); and 3 more.
Identifiers: ClinVar variation 570507 (VCV000570507.10), dbSNP rs1558182956, ClinGen allele CA891843045.

ClinVar aggregate classification (germline): Likely pathogenic (1 of 4 stars; one submission).

Conditions:
Pheochromocytoma/paraganglioma syndrome 3. Also called: GLOMUS TUMORS, FAMILIAL, 3; SDHC-Related Hereditary Paraganglioma-Pheochromocytoma Syndrome; Paragangliomas 3; SDHC-Related Hereditary Paraganglioma-Pheochromocytoma Syndrome (Paragangliomas 3). Identifiers: Orphanet 29072, MedGen C1854336, MONDO:0011544, OMIM 605373.
Gastrointestinal stromal tumor. Also called: Gastrointestinal stromal tumor, somatic; Gastrointestinal stroma tumor. Identifiers: Orphanet 44890, MedGen C0238198, MeSH D046152, MONDO:0011719, OMIM 606764, HP:0100723.

Submission:

Labcorp Genetics (formerly Invitae), Labcorp
Classification: Likely pathogenic for Pheochromocytoma/paraganglioma syndrome 3; Gastrointestinal stromal tumor. Last evaluated: 2019-11-08. Review status: criteria provided, single submitter. Criteria: Invitae Variant Classification Sherloc (09022015). Collection method: clinical testing. Allele origin: germline.
Comment: This variant is not present in population databases (ExAC no frequency). This variant has not been reported in the literature in individuals with SDHC-related disease. Nucleotide substitutions within the consensus splice site are a relatively common cause of aberrant splicing (PMID: 17576681, 9536098). Algorithms developed to predict the effect of sequence changes on RNA splicing suggest that this variant may disrupt the consensus splice site, but this prediction has not been confirmed by published transcriptional studies. A different variant affecting this nucleotide (c.405+1G>T) has been determined to be pathogenic (PMID: 17667967, 24402737, 24758179, 12658451). This suggests that this nucleotide is important for normal RNA splicing, and that other variants at this position may also be pathogenic. In summary, the currently available evidence indicates that the variant is pathogenic, but additional data are needed to prove that conclusively. Therefore, this variant has been classified as Likely Pathogenic. This sequence change affects a donor splice site in the last intron (intron 5) of the SDHC gene. While this is not anticipated to result in nonsense mediated decay, it likely alters RNA splicing and results in a disrupted protein product.

Literature cited by the submitters: PubMed 17576681; PubMed 9536098; PubMed 17667967; PubMed 24402737; PubMed 24758179; PubMed 12658451.